The following is an entry in ClinVar:

ClinVar aggregate classification (germline): Uncertain significance (1 of 4 stars; one submission).

Conditions:
PCDH9-related disorder. Also called: PCDH9-related condition.

Allele frequency attached by ClinVar (database versions not stated): gnomAD exomes below 0.00001; TOPMed 0.00001.
gnomAD v4.1: 1 of 1,610,532 alleles (0.000062%); highest among the groups gnomAD compares: Admixed American, 0.0017%; no homozygotes.

Submission:

PreventionGenetics, part of Exact Sciences
Classification: Uncertain significance for PCDH9-related condition. Last evaluated: 2023-09-26. Review status: criteria provided, single submitter. Criteria: ACMG Guidelines, 2015. Collection method: clinical testing. Allele origin: germline.
Comment: The PCDH9 c.3295C>T variant is predicted to result in the amino acid substitution p.Pro1099Ser. To our knowledge, this variant has not been reported in the literature. This variant is reported in 0.0058% of alleles in individuals of Latino descent in gnomAD. At this time, the clinical significance of this variant is uncertain due to the absence of conclusive functional and genetic evidence.

NM_203487.3(PCDH9):c.3295C>T (p.Pro1099Ser)

Gene: PCDH9 (protocadherin 9; minus strand). Cytogenetic location: 13q21.32.
Variant type: single nucleotide variant.
Coding change: c.3295C>T on transcript NM_203487.3 (MANE Select); coding-DNA position 3295, C replaced by T.
Protein change: p.Pro1099Ser; replaces proline 1099 with serine.
Molecular consequence: missense variant.
Genome position (GRCh38, 1-based): chr13:66,631,255, G>A on the plus strand (C>T on the coding strand, the complement: PCDH9 is on the minus strand). VCF-style: chr13-66631255-G-A. GRCh37 (hg19) VCF-style: chr13-67205387-G-A.
Other names: c.3169C>T, p.Pro1057Ser (NM_001318372.2); c.3067C>T, p.Pro1023Ser (NM_001318373.2); c.3193C>T, p.Pro1065Ser (NM_020403.5); short protein forms P1023S, P1057S, P1065S, P1099S.
Identifiers: ClinVar variation 2631068 (VCV002631068.1), dbSNP rs1010987405, ClinGen allele CA251898930.